The following is an entry in ClinVar:

ClinVar aggregate classification (germline): Conflicting classifications of pathogenicity. Review status: criteria provided, conflicting classifications (1 of 4 stars). 12 submissions from 12 submitters: Uncertain significance (10); Likely benign (2). Last evaluated 2026-01-11.

Conditions:
Breast-ovarian cancer, familial, susceptibility to, 5 (BROVCA5). Identifiers: MedGen C5830615, MONDO:0957530, OMIM 620442.
Hereditary cancer-predisposing syndrome. Also called: Neoplastic Syndromes, Hereditary; Hereditary Cancer Syndrome; Hereditary neoplastic syndrome; Tumor predisposition. Identifiers: Orphanet 140162, MedGen C0027672, MeSH D009386, MONDO:0015356.
Familial cancer of breast. Also called: Hereditary breast cancer; hereditary breast carcinoma; BREAST CANCER, FAMILIAL. Identifiers: Orphanet 227535, MedGen C0346153, MONDO:0016419, OMIM 114480. Disease mechanism: loss of function.
Pancreatic cancer, susceptibility to, 3. Identifiers: Orphanet 1333, MedGen C3150547, MONDO:0013236, OMIM 613348.
Fanconi anemia complementation group N. Also called: PALB2-Related Fanconi Anemia. Identifiers: Orphanet 84, MedGen C1835817, MONDO:0012565, OMIM 610832. Disease mechanism: loss of function.

Allele frequency attached by ClinVar (database versions not stated): gnomAD exomes below 0.00001; TOPMed below 0.00001; ExAC 0.00001.
gnomAD v4.1: 4 of 1,614,146 alleles (0.00025%); highest among the groups gnomAD compares: East Asian, 0.0022%; no homozygotes.

Submissions (12):

Labcorp Genetics (formerly Invitae), Labcorp
Classification: Likely benign for Familial cancer of breast. Last evaluated: 2026-01-11. Review status: criteria provided, single submitter. Criteria: Invitae Variant Classification Sherloc (09022015). Collection method: clinical testing. Allele origin: germline.

Quest Diagnostics Nichols Institute San Juan Capistrano
Classification: Uncertain significance. Last evaluated: 2025-05-18. Review status: criteria provided, single submitter. Criteria: Quest Diagnostics criteria. Collection method: clinical testing. Allele origin: unknown.
Comment: The PALB2 c.557A>T (p.Asn186Ile) variant has been reported in the published literature in an individual with endometrial cancer (PMID: 27443514 (2016)) as well as in reportedly unaffected individuals (PMID: 26283626 (2015), 33471991 (2021), see also LOVD)). A published functional study showed that this variant had no impact on homology-directed repair function (PMID: 33964450 (2021)). The frequency of this variant in the general population (Genome Aggregation Database) is uninformative in the assessment of its pathogenicity. Analysis of this variant using bioinformatics tools for the prediction of the effect of amino acid changes on protein structure and function yielded conflicting predictions that this variant is benign or damaging. Based on the available information, we are unable to determine the clinical significance of this variant.

Center for Genomic Medicine, Rigshospitalet, Copenhagen University Hospital
Classification: Uncertain significance. Last evaluated: 2025-03-04. Review status: criteria provided, single submitter. Criteria: ACMG Guidelines, 2015. Collection method: clinical testing. Allele origin: germline.

Molecular Pathology, Peter Maccallum Cancer Centre
Classification: Uncertain significance for Familial cancer of breast. Last evaluated: 2024-11-22. Review status: criteria provided, single submitter. Criteria: ACMG Guidelines, 2015. Collection method: clinical testing. Allele origin: germline. Inheritance: Autosomal dominant inheritance.

Color Diagnostics, LLC DBA Color Health
Classification: Uncertain significance for Hereditary cancer-predisposing syndrome. Last evaluated: 2024-06-25. Review status: criteria provided, single submitter. Criteria: ACMG Guidelines, 2015. Collection method: clinical testing. Allele origin: germline.
Comment: This missense variant replaces asparagine with isoleucine at codon 186 of the PALB2 protein. Computational prediction suggests that this variant may not impact protein structure and function (internally defined REVEL score threshold <= 0.5, PMID: 27666373). To our knowledge, functional studies have not been reported for this variant. This variant has been reported in an individual affected endometrial cancer (PMID: 27443514) and in a breast cancer case-control meta-analysis in 0/60466 cases and 1/53461 unaffected individuals (PMID: 33471991; Leiden Open Variation Database DB-ID PALB2_011164). This variant has been identified in 1/251436 chromosomes in the general population by the Genome Aggregation Database (gnomAD). The available evidence is insufficient to determine the role of this variant in disease conclusively. Therefore, this variant is classified as a Variant of Uncertain Significance.

Ambry Genetics
Classification: Likely benign for Hereditary cancer-predisposing syndrome. Last evaluated: 2023-08-23. Review status: criteria provided, single submitter. Criteria: Ambry Variant Classification Scheme 2023. Collection method: clinical testing. Allele origin: germline.

KCCC/NGS Laboratory, Kuwait Cancer Control Center
Classification: Uncertain significance for Breast-ovarian cancer, familial, susceptibility to, 5. Last evaluated: 2023-07-07. Review status: criteria provided, single submitter. Criteria: ACMG Guidelines, 2015. Collection method: clinical testing. Allele origin: unknown. Affected: yes.
Comment: A variant of uncertain significance was detected in the PALB2 gene (c.557A>T). This sequence change replaces asparagine with isoleucine at codon 186 of the PALB2 protein (p.Asn186Ile). In-silico predictions show benign computational verdict based on 9 benign predictions from BayesDel_addAF, DANN, DEOGEN2, EIGEN, FATHMM-MKL, LIST-S2, MVP, MutationTaster and PrimateAI vs 3 pathogenic predictions from M-CAP, MutationAssessor and SIFT and the position is not highly conserved. This variant is present in population databases (rs587782164, ExAC 0.01%). This variant has been reported in the literature in an individual affected with endometrial cancer (PMID: 27443514) as well as in an unaffected control individual (PMID: 26283626). ClinVar contains an entry for this variant (Variation ID: 141993) with 7 submissions all of which describe this variant as of uncertain significance. Therefore, it has been classified as a Variant of Uncertain Significance. Genetic counseling is recommended.

GeneDx
Classification: Uncertain significance. Last evaluated: 2022-11-18. Review status: criteria provided, single submitter. Criteria: GeneDx Variant Classification Process June 2021. Collection method: clinical testing. Allele origin: germline. Affected: yes.
Comment: Not observed at significant frequency in large population cohorts (gnomAD); In silico analysis supports that this missense variant has a deleterious effect on protein structure/function; Observed in individuals with endometrial cancer but also in cancer-free controls (Thompson et al., 2015; Ring et al., 2016); Published functional studies suggest no damaging effect: did not significantly affect PALB2 homology-directed repair function (Brnich et al., 2021); This variant is associated with the following publications: (PMID: 26283626, 27443514, 30638972, 20871615, 19369211, 33964450)

Fulgent Genetics
Classification: Uncertain significance for Familial cancer of breast; Fanconi anemia complementation group N; Pancreatic cancer, susceptibility to, 3. Last evaluated: 2021-12-25. Review status: criteria provided, single submitter. Criteria: ACMG Guidelines, 2015. Collection method: clinical testing. Allele origin: unknown.

Department of Pathology and Laboratory Medicine, Sinai Health System
Classification: Uncertain significance for Breast-ovarian cancer, familial, susceptibility to, 5. Last evaluated: 2020-03-24. Review status: criteria provided, single submitter. Criteria: ACMG Guidelines, 2015. Collection method: clinical testing. Allele origin: germline. Affected: yes.

Women's Health and Genetics/Laboratory Corporation of America, LabCorp
Classification: Uncertain significance. Last evaluated: 2016-05-16. Review status: criteria provided, single submitter. Criteria: LabCorp Variant Classification Summary - May 2015. Collection method: clinical testing. Allele origin: germline.
Comment: Variant summary: The PALB2 c.557A>T (p.Asn186Ile) variant involves the alteration of a non-conserved nucleotide. 3/3 in silico tools predict a damaging outcome for this variant (Mutation taster and SNPs&GO not captured due to low reliability index). This variant was found in 2/125398 control chromosomes at a frequency of 0.0000159, which does not exceed the estimated maximal expected allele frequency of a pathogenic PALB2 variant (0.0001563). To our knowledge, the variant was not reported in affected individuals and in vivo/vitro functional studies assessing the impact the variant may have on PALB2 function were not published at the time of scoring either. Clinical diagnostic laboratories databases classified this variant as Uncertain. Considering all evidence, the variant was classified as a VUS-possibly benign until more information becomes available.

Cancer Genetics Laboratory, Peter MacCallum Cancer Centre
Classification: Uncertain significance for Familial cancer of breast. Last evaluated: 2015-06-01. Review status: criteria provided, single submitter. Criteria: Thompson et al. (Breast Cancer Res. 2015). Collection method: case-control. Allele origin: germline. Affected: no. Observed: 1 variant allele, 1 heterozygote.

Literature cited by the submitters: PubMed 33471991 (cited by 3 submitters); PubMed 33964450 (cited by Quest Diagnostics Nichols Institute San Juan Capistrano and Ambry Genetics); PubMed 27443514 (cited by 4 submitters); PubMed 26283626 (cited by 3 submitters).

NM_024675.4(PALB2):c.557A>T (p.Asn186Ile)

Gene: PALB2 (partner and localizer of BRCA2; minus strand). Cytogenetic location: 16p12.2.
Variant type: single nucleotide variant.
Coding change: c.557A>T on transcript NM_024675.4 (MANE Select); coding-DNA position 557, A replaced by T.
Protein change: p.Asn186Ile; replaces asparagine 186 with isoleucine.
Molecular consequence: missense variant.
Genome position (GRCh38, 1-based): chr16:23,635,989, T>A on the plus strand (A>T on the coding strand, the complement: PALB2 is on the minus strand). VCF-style: chr16-23635989-T-A. GRCh37 (hg19) VCF-style: chr16-23647310-T-A.
Other names: short protein forms N186I.
Identifiers: ClinVar variation 141993 (VCV000141993.33), dbSNP rs587782164, ClinGen allele CA167050.